The following is an entry in ClinVar:

ClinVar aggregate classification (germline): Pathogenic (1 of 4 stars; one submission).

Submission:

Labcorp Genetics (formerly Invitae), Labcorp
Classification: Pathogenic. Last evaluated: 2025-08-17. Review status: criteria provided, single submitter. Criteria: Invitae Variant Classification Sherloc (09022015). Collection method: clinical testing. Allele origin: germline.
Comment: This sequence change creates a premature translational stop signal (p.Val1495Glyfs*4) in the ZNF469 gene. While this is not anticipated to result in nonsense mediated decay, it is expected to disrupt the last 2431 amino acid(s) of the ZNF469 protein. This variant is not present in population databases (gnomAD no frequency). This variant has not been reported in the literature in individuals affected with ZNF469-related conditions. ClinVar contains an entry for this variant (Variation ID: 2795370). This variant disrupts a region of the ZNF469 protein in which other variant(s) (p.Pro3556Glnfs*136) have been determined to be pathogenic (PMID: 32671420). This suggests that this is a clinically significant region of the protein, and that variants that disrupt it are likely to be disease-causing. For these reasons, this variant has been classified as Pathogenic.

Literature cited by the submitters: PubMed 32671420.

NM_001367624.2(ZNF469):c.4562dup (p.Val1523fs)

Gene: ZNF469 (zinc finger protein 469; plus strand). Cytogenetic location: 16q24.2.
Variant type: Duplication.
Coding change: c.4562dup on transcript NM_001367624.2 (MANE Select); coding-DNA position 4562, one base duplicated (G; older notation c.4562dupG).
Protein change: p.Val1523fs; shifts the reading frame from valine 1523.
Molecular consequence: frameshift variant.
Genome position (GRCh38, 1-based): chr16:88,432,032, G duplicated; the last of 6 consecutive G bases (chr16:88,432,027-88,432,032); duplicating any one gives the same sequence. VCF-style (leftmost placement, unchanged base first): chr16-88432026-C-CG. GRCh37 (hg19) VCF-style: chr16-88498434-C-CG.
Other names: short protein forms V1523fs.
Identifiers: ClinVar variation 2795370 (VCV002795370.3), dbSNP rs1555519354, ClinGen allele CA624447611.